The following is an entry in ClinVar:

ClinVar aggregate classification (germline): Pathogenic (1 of 4 stars; one submission).

Submission:

Labcorp Genetics (formerly Invitae), Labcorp
Classification: Pathogenic. Last evaluated: 2023-10-24. Review status: criteria provided, single submitter. Criteria: Invitae Variant Classification Sherloc (09022015). Collection method: clinical testing. Allele origin: unknown.
Comment: This variant results in the deletion of part of exon 5 (c.473-2093_534delinsTTTTACCCTAGTTA) of the ANO10 gene. It is expected to disrupt RNA splicing. Variants that disrupt the donor or acceptor splice site typically lead to a loss of protein function (PMID: 16199547), and loss-of-function variants in ANO10 are known to be pathogenic (PMID: 25089919). This variant has not been reported in the literature in individuals affected with ANO10-related conditions. This variant disrupts a region of the ANO10 protein in which other variant(s) (p.Phe171Ser) have been determined to be pathogenic (PMID: 25089919, 32620747, 34234304). This suggests that this is a clinically significant region of the protein, and that variants that disrupt it are likely to be disease-causing. For these reasons, this variant has been classified as Pathogenic.

Literature cited by the submitters: PubMed 16199547; PubMed 25089919; PubMed 32620747; PubMed 34234304.

NC_000003.11:g.(?_43621903)_(43624057_?)del

Gene: ANO10 (anoctamin 10; minus strand). Cytogenetic location: 3p22.1.
Variant type: Deletion.
Identifiers: ClinVar variation 3247033 (VCV003247033.1).